The following is an entry in ClinVar:

NM_198578.3(LRRK2):c.149A>G (p.His50Arg)

Gene: LRRK2 (leucine rich repeat kinase 2; plus strand). Cytogenetic location: 12q12.
Variant type: single nucleotide variant.
Coding change: c.149A>G on transcript NM_198578.3; coding-DNA position 149, A replaced by G.
Protein change: p.His50Arg; replaces histidine 50 with arginine.
Molecular consequence: no sequence alteration (on NM_198578.4).
Genome position: GRCh38 VCF-style: chr12-40225280-G-G. GRCh37 (hg19) VCF-style: chr12-40619082-G-G.
Other names: c.149=, p.Arg50= (NM_198578.4).
Identifiers: ClinVar variation 39134 (VCV000039134.14), dbSNP rs2256408.

ClinVar aggregate classification (germline): Benign. Review status: criteria provided, multiple submitters, no conflicts (2 of 4 stars). 3 submissions from 3 submitters: Benign (2). 1 of the submissions does not count toward it. Last evaluated 2026-02-02.

Conditions:
Autosomal dominant Parkinson disease 8. Also called: Parkinson disease 8, susceptibility to; LRRK2-Related Parkinson Disease; Parkinson disease 8. Identifiers: Orphanet 411602, MedGen C1846862, MONDO:0011764, OMIM 607060.

Allele frequency attached by ClinVar (database versions not stated): 1000 Genomes Project 30x 0.03248; ESP Exome Variant Server 0.03452; gnomAD 0.02821 and 0.03048; TOPMed 0.03059; 1000 Genomes Project 0.03075; gnomAD exomes 0.00718; ExAC 0.00888.

Submissions (3):

Labcorp Genetics (formerly Invitae), Labcorp
Classification: Benign for Autosomal dominant Parkinson disease 8. Last evaluated: 2026-02-02. Review status: criteria provided, single submitter. Criteria: Invitae Variant Classification Sherloc (09022015). Collection method: clinical testing. Allele origin: germline.

Athena Diagnostics
Classification: Benign. Last evaluated: 2017-01-30. Review status: criteria provided, single submitter. Criteria: Athena Diagnostics Criteria. Collection method: clinical testing. Allele origin: germline.

GeneReviews
Classification: Uncertain significance for LRRK2-Related Parkinson Disease. Last evaluated: 2012-09-13. Review status: no assertion criteria provided. Collection method: curation. Allele origin: unknown. Not counted in ClinVar's aggregate classification.
ClinVar note: Converted during submission from unknown to Uncertain significance.

Literature cited by the submitters: PubMed 20669299 (cited by Athena Diagnostics).